The following is an entry in ClinVar:

NM_022367.4(SEMA4A):c.76C>A (p.Leu26Met)

Gene: SEMA4A (semaphorin 4A; plus strand). Cytogenetic location: 1q22.
Variant type: single nucleotide variant.
Coding change: c.76C>A on transcript NM_022367.4 (MANE Select); coding-DNA position 76, C replaced by A.
Protein change: p.Leu26Met; replaces leucine 26 with methionine.
Molecular consequence: missense variant. On other transcripts: 5 prime UTR variant (1), intron variant (3).
Genome position (GRCh38, 1-based): chr1:156,154,654, C>A. VCF-style: chr1-156154654-C-A. GRCh37 (hg19) VCF-style: chr1-156124445-C-A.
Other names: c.76C>A, p.Leu26Met (NM_001193300.2, NM_001193301.2, NM_001370567.1); c.-449C>A (NM_001370571.1); c.-385-1760C>A (NM_001370569.1); c.-158-1760C>A (NM_001370568.1); c.-159+890C>A (NM_001193302.2); short protein forms L26M.
Identifiers: ClinVar variation 1487914 (VCV001487914.8), dbSNP rs1460349354, ClinGen allele CA342833991.
Genomic context (GRCh38, chr1:156,154,654, plus strand): 5'-CTGGGCCTGGACCCCTGGAGCCTCCTGGGCCTTTTCCTCTTCCAACTGCTTCAGCTGCTG[C>A]TGCCGACGACGACCGCGGGGGGAGGCGGGCAGGGGCCCATGCCCAGGGTCAGATACTATG-3'
Protein context (NP_071762.2, residues 16-36): LFLFQLLQLL[Leu26Met]PTTTAGGGGQ

ClinVar aggregate classification (germline): Uncertain significance (1 of 4 stars; one submission).

Allele frequency attached by ClinVar (database versions not stated): gnomAD exomes below 0.00001; gnomAD 0.00001; TOPMed 0.00001.
gnomAD v4.1: 6 of 1,606,376 alleles (0.00037%); highest among the groups gnomAD compares: Admixed American, 0.0034%; no homozygotes.

Submission:

Labcorp Genetics (formerly Invitae), Labcorp
Classification: Uncertain significance. Last evaluated: 2024-04-25. Review status: criteria provided, single submitter. Criteria: Invitae Variant Classification Sherloc (09022015). Collection method: clinical testing. Allele origin: germline.
Comment: This sequence change replaces leucine, which is neutral and non-polar, with methionine, which is neutral and non-polar, at codon 26 of the SEMA4A protein (p.Leu26Met). The frequency data for this variant in the population databases is considered unreliable, as metrics indicate poor data quality at this position in the gnomAD database. This variant has not been reported in the literature in individuals affected with SEMA4A-related conditions. ClinVar contains an entry for this variant (Variation ID: 1487914). An algorithm developed to predict the effect of missense changes on protein structure and function (PolyPhen-2) suggests that this variant is likely to be disruptive. In summary, the available evidence is currently insufficient to determine the role of this variant in disease. Therefore, it has been classified as a Variant of Uncertain Significance.